The following is an entry in ClinVar:

NM_145046.5(CALR3):c.691C>G (p.His231Asp)

Gene: CALR3 (calreticulin 3; minus strand). Cytogenetic location: 19p13.11.
Variant type: single nucleotide variant.
Coding change: c.691C>G on transcript NM_145046.5 (MANE Select); coding-DNA position 691, C replaced by G.
Protein change: p.His231Asp; replaces histidine 231 with aspartic acid.
Molecular consequence: missense variant.
Genome position (GRCh38, 1-based): chr19:16,482,773, G>C on the plus strand (C>G on the coding strand, the complement: CALR3 is on the minus strand). VCF-style: chr19-16482773-G-C. GRCh37 (hg19) VCF-style: chr19-16593584-G-C.
Other names: c.691C>G (NM_145046.3); short protein forms H231D.
Identifiers: ClinVar variation 471792 (VCV000471792.10), dbSNP rs1555775874, ClinGen allele CA404608483.
Genomic context (GRCh38, chr19:16,482,773, plus strand): 5'-AGTCCCCATCCAGGTCACCGTTCCAGTCGCTCTGCTTGCTGGTGCTGGCGTCCAGAAAAT[G>C]CTTCTCCCAGTCCTTCAAAGACATGTAAGGAAAAAGTAAAATCAGTCAGATGCTCATATA-3'
Protein context (NP_659483.2, residues 221-241): KDNKAQDWEK[His231Asp]FLDASTSKQS

ClinVar aggregate classification (germline): Uncertain significance. Review status: criteria provided, multiple submitters, no conflicts (2 of 4 stars). 2 submissions from 2 submitters: Uncertain significance (2). Last evaluated 2024-04-23.

Conditions:
Hypertrophic cardiomyopathy 19. Also called: Familial hypertrophic cardiomyopathy 19. Identifiers: MedGen CN077603, MONDO:0013476.

Allele frequency attached by ClinVar (database versions not stated): gnomAD 0.00001; TOPMed 0.00002.

Submissions (2):

Ambry Genetics
Classification: Uncertain significance. Last evaluated: 2024-04-23. Review status: criteria provided, single submitter. Criteria: Ambry Variant Classification Scheme 2023. Collection method: clinical testing. Allele origin: germline.

Labcorp Genetics (formerly Invitae), Labcorp
Classification: Uncertain significance for Hypertrophic cardiomyopathy 19. Last evaluated: 2017-05-30. Review status: criteria provided, single submitter. Criteria: Invitae Variant Classification Sherloc (09022015). Collection method: clinical testing. Allele origin: germline.
Comment: This sequence change replaces histidine with aspartic acid at codon 231 of the CALR3 protein (p.His231Asp). The histidine residue is moderately conserved and there is a moderate physicochemical difference between histidine and aspartic acid. This variant is not present in population databases (ExAC no frequency). In summary, this variant has uncertain impact on CALR3 function. The available evidence is currently insufficient to determine its role in disease. Therefore, it has been classified as a Variant of Uncertain Significance. Algorithms developed to predict the effect of missense changes on protein structure and function do not agree on the potential impact of this missense change (SIFT: "Deleterious"; PolyPhen-2: "Possibly Damaging"; Align-GVGD: "Class C0"). This variant has not been reported in the literature in individuals with a CALR3-related disease.